The following is an entry in ClinVar:

NM_006767.4(LZTR1):c.2002G>C (p.Asp668His)

Gene: LZTR1 (leucine zipper like post translational regulator 1; plus strand). Cytogenetic location: 22q11.21.
Variant type: single nucleotide variant.
Coding change: c.2002G>C on transcript NM_006767.4 (MANE Select); coding-DNA position 2002, G replaced by C.
Protein change: p.Asp668His; replaces aspartic acid 668 with histidine.
Molecular consequence: missense variant.
Genome position (GRCh38, 1-based): chr22:20,995,805, G>C. VCF-style: chr22-20995805-G-C. GRCh37 (hg19) VCF-style: chr22-21350094-G-C.
Other names: c.2002G>C (NM_006767.3); short protein forms D668H.
Identifiers: ClinVar variation 2749153 (VCV002749153.4), dbSNP rs776005012, ClinGen allele CA410779042.

ClinVar aggregate classification (germline): Uncertain significance. Review status: criteria provided, multiple submitters, no conflicts (2 of 4 stars). 2 submissions from 2 submitters: Uncertain significance (2). Last evaluated 2025-01-31.

Conditions:
Hereditary cancer-predisposing syndrome. Also called: Hereditary Cancer Syndrome; Neoplastic Syndromes, Hereditary; Tumor predisposition; Hereditary neoplastic syndrome. Identifiers: Orphanet 140162, MedGen C0027672, MeSH D009386, MONDO:0015356.
Cardiovascular phenotype. Identifiers: MedGen CN230736.

Submissions (2):

Ambry Genetics
Classification: Uncertain significance for Cardiovascular phenotype; Hereditary cancer-predisposing syndrome. Last evaluated: 2025-01-31. Review status: criteria provided, single submitter. Criteria: Ambry Variant Classification Scheme 2023. Collection method: clinical testing. Allele origin: germline.
Comment: The p.D668H variant (also known as c.2002G>C), located in coding exon 17 of the LZTR1 gene, results from a G to C substitution at nucleotide position 2002. The aspartic acid at codon 668 is replaced by histidine, an amino acid with similar properties. This variant was reported in individual(s) with features consistent with LZTR1-related schwannomatosis (Ambry internal data). This amino acid position is highly conserved in available vertebrate species. In addition, this alteration is predicted to be deleterious by in silico analysis. Based on the available evidence, the clinical significance of this variant remains unclear.

Labcorp Genetics (formerly Invitae), Labcorp
Classification: Uncertain significance. Last evaluated: 2023-12-05. Review status: criteria provided, single submitter. Criteria: Invitae Variant Classification Sherloc (09022015). Collection method: clinical testing. Allele origin: germline.
Comment: This sequence change replaces aspartic acid, which is acidic and polar, with histidine, which is basic and polar, at codon 668 of the LZTR1 protein (p.Asp668His). This variant is not present in population databases (gnomAD no frequency). This variant has not been reported in the literature in individuals affected with LZTR1-related conditions. Advanced modeling of protein sequence and biophysical properties (such as structural, functional, and spatial information, amino acid conservation, physicochemical variation, residue mobility, and thermodynamic stability) performed at Invitae indicates that this missense variant is not expected to disrupt LZTR1 protein function with a negative predictive value of 80%. In summary, the available evidence is currently insufficient to determine the role of this variant in disease. Therefore, it has been classified as a Variant of Uncertain Significance.